The following is an entry in ClinVar:

ClinVar aggregate classification (germline): Uncertain significance (1 of 4 stars; one submission).

Submission:

Dasa
Classification: Uncertain significance. Last evaluated: 2025-07-07. Review status: criteria provided, single submitter. Criteria: DASA Assertion Criteria. Collection method: clinical testing. Allele origin: germline.
Comment: NM_001079668.3(NKX2-1):c.1102G>A (p.Ala368Thr) is a missense variant that results in the substitution of alanine with threonine. This variant is rare in population databases. Computational prediction algorithms are consistent with a benign effect. The currently available literature and clinical evidence are not sufficient to establish a definitive association between this variant and the reported condition. Therefore, this variant is classified as a variant of uncertain significance.

NM_001079668.3(NKX2-1):c.1102G>A (p.Ala368Thr)

Genes: NKX2-1 (NK2 homeobox 1; minus strand), SFTA3 (surfactant associated 3; minus strand). Cytogenetic location: 14q13.3.
Variant type: single nucleotide variant.
Coding change: c.1102G>A on transcript NM_001079668.3 (MANE Select); coding-DNA position 1102, G replaced by A.
Protein change: p.Ala368Thr; replaces alanine 368 with threonine.
Molecular consequence: missense variant.
Genome position (GRCh38, 1-based): chr14:36,517,382, C>T on the plus strand (G>A on the coding strand, the complement: NKX2-1 is on the minus strand). VCF-style: chr14-36517382-C-T. GRCh37 (hg19) VCF-style: chr14-36986587-C-T.
Other names: c.1012G>A, p.Ala338Thr (NM_003317.4); short protein forms A338T, A368T.
Identifiers: ClinVar variation 4885798 (VCV004885798.2).